The following is an entry in ClinVar:

ClinVar aggregate classification (germline): Pathogenic. Review status: criteria provided, single submitter (1 of 4 stars). 5 submissions from 2 submitters: Pathogenic (1). 4 of the submissions do not count toward it. Last evaluated 2023-03-14.

Conditions:
METHEMOGLOBINEMIA, BETA TYPE. Also called: Methemoglobinemia, beta-globin type. Identifiers: MedGen C1840779, OMIM 617971.
HEMOGLOBIN M (MILWAUKEE 2).
HEMOGLOBIN M (HYDE PARK).
HEMOGLOBIN M (AKITA).

Submissions (5):

Quest Diagnostics Nichols Institute San Juan Capistrano
Classification: Pathogenic. Last evaluated: 2023-03-14. Review status: criteria provided, single submitter. Criteria: Quest Diagnostics criteria. Collection method: clinical testing. Allele origin: unknown.
Comment: This variant has not been reported in large, multi-ethnic general populations. In the published literature, the variant has been reported in de novo heterozygous individuals (PMIDs: 1398295 (1992), 32747614 (2020)) and in families that have been described as generally asymptomatic, but also affected with cyanosis, methemoglobinemia, and hemolytic anemia especially during crises (PMIDs: 5669922 (1968), 933112 (1976), 31267164 (2019), 33251782 (2020)). Functional studies have shown that this variant is unstable (PMID: 933112 (1976)). Based on the available information, this variant is classified as pathogenic.

OMIM
Classification: other for HEMOGLOBIN M (MILWAUKEE 2). Last evaluated: 2018-05-10. Review status: no assertion criteria provided. Collection method: literature only. Allele origin: germline. Not counted in ClinVar's aggregate classification.

OMIM
Classification: other for HEMOGLOBIN M (HYDE PARK). Last evaluated: 2018-05-10. Review status: no assertion criteria provided. Collection method: literature only. Allele origin: germline. Not counted in ClinVar's aggregate classification.

OMIM
Classification: other for HEMOGLOBIN M (AKITA). Last evaluated: 2018-05-10. Review status: no assertion criteria provided. Collection method: literature only. Allele origin: germline. Not counted in ClinVar's aggregate classification.

OMIM
Classification: Pathogenic for METHEMOGLOBINEMIA, BETA TYPE. Last evaluated: 1998-01-01. Review status: no assertion criteria provided. Collection method: literature only. Allele origin: germline. Not counted in ClinVar's aggregate classification.

Literature cited by the submitters: PubMed 9494043 (cited by Quest Diagnostics Nichols Institute San Juan Capistrano and OMIM); PubMed 1398295 (cited by Quest Diagnostics Nichols Institute San Juan Capistrano and OMIM); PubMed 3377987 (cited by Quest Diagnostics Nichols Institute San Juan Capistrano and OMIM); PubMed 933112 (cited by Quest Diagnostics Nichols Institute San Juan Capistrano and OMIM); PubMed 5669922 (cited by Quest Diagnostics Nichols Institute San Juan Capistrano and OMIM); PubMed 13665153 (cited by Quest Diagnostics Nichols Institute San Juan Capistrano and OMIM); PubMed 31267164 (cited by Quest Diagnostics Nichols Institute San Juan Capistrano); PubMed 32747614 (cited by Quest Diagnostics Nichols Institute San Juan Capistrano); PubMed 33251782 (cited by Quest Diagnostics Nichols Institute San Juan Capistrano); PubMed 5900783 (cited by OMIM).

NM_000518.4(HBB):c.277C>T (p.His93Tyr)

Genes: HBB (hemoglobin subunit beta; minus strand), LOC106099062 (HBB recombination region; plus strand), LOC107133510 (origin of replication at HBB; plus strand). Cytogenetic location: 11p15.4.
Variant type: single nucleotide variant.
Coding change: c.277C>T on transcript NM_000518.4; coding-DNA position 277, C replaced by T.
Protein change: p.His93Tyr; replaces histidine 93 with tyrosine.
Molecular consequence: missense variant (on NM_000518.5).
Genome position (GRCh38, 1-based): chr11:5,226,615, G>A on the plus strand (C>T on the coding strand, the complement: HBB is on the minus strand). VCF-style: chr11-5226615-G-A. GRCh37 (hg19) VCF-style: chr11-5247845-G-A.
Other names: H92Y; c.277C>T, p.His93Tyr (NM_000518.5); short protein forms H93Y.
Identifiers: ClinVar variation 15255 (VCV000015255.3), dbSNP rs33924775, ClinGen allele CA125009.
Genomic context (GRCh38, chr11:5,226,615, plus strand): 5'-ATCAAGCGTCCCATAGACTCACCCTGAAGTTCTCAGGATCCACGTGCAGCTTGTCACAGT[G>A]CAGCTCACTCAGTGTGGCAAAGGTGCCCTTGAGGTTGTCCAGGTGAGCCAGGCCATCACT-3'
Protein context (NP_000509.1, residues 83-103): KGTFATLSEL[His93Tyr]CDKLHVDPEN